The following is an entry in ClinVar:

NM_000088.4(COL1A1):c.3691G>T (p.Val1231Leu)

Gene: COL1A1 (collagen type I alpha 1 chain; minus strand). Cytogenetic location: 17q21.33.
Variant type: single nucleotide variant.
Coding change: c.3691G>T on transcript NM_000088.4 (MANE Select); coding-DNA position 3691, G replaced by T.
Protein change: p.Val1231Leu; replaces valine 1231 with leucine.
Molecular consequence: missense variant.
Genome position (GRCh38, 1-based): chr17:50,186,763, C>A on the plus strand (G>T on the coding strand, the complement: COL1A1 is on the minus strand). VCF-style: chr17-50186763-C-A. GRCh37 (hg19) VCF-style: chr17-48264124-C-A.
Other names: short protein forms V1231L.
Identifiers: ClinVar variation 4883339 (VCV004883339.3).

ClinVar aggregate classification (germline): Uncertain significance. Review status: criteria provided, multiple submitters, no conflicts (2 of 4 stars). 2 submissions from 2 submitters: Uncertain significance (2). Last evaluated 2025-08-07.

Submissions (2):

Dasa
Classification: Uncertain significance. Last evaluated: 2025-08-07. Review status: criteria provided, single submitter. Criteria: DASA Assertion Criteria. Collection method: clinical testing. Allele origin: germline.
Comment: NM_000088.4(COL1A1):c.3691G>T (p.Val1231Leu) is a missense variant that results in the substitution of valine with leucine. This variant is rare in population databases. Computational prediction algorithms are consistent with a deleterious effect. The currently available literature and clinical evidence are not sufficient to establish a definitive association between this variant and the reported condition. Therefore, this variant is classified as a variant of uncertain significance.

Blueprint Genetics
Classification: Uncertain significance. Last evaluated: 2024-10-14. Review status: criteria provided, single submitter. Criteria: ACMG Guidelines, 2015. Collection method: clinical testing. Allele origin: germline.